The following is an entry in ClinVar:

NM_000257.4(MYH7):c.1572C>G (p.Ile524Met)

Gene: MYH7 (myosin heavy chain 7; minus strand). Cytogenetic location: 14q11.2.
Variant type: single nucleotide variant.
Coding change: c.1572C>G on transcript NM_000257.4 (MANE Select); coding-DNA position 1572, C replaced by G.
Protein change: p.Ile524Met; replaces isoleucine 524 with methionine.
Molecular consequence: missense variant.
Genome position (GRCh38, 1-based): chr14:23,428,506, G>C on the plus strand (C>G on the coding strand, the complement: MYH7 is on the minus strand). VCF-style: chr14-23428506-G-C. GRCh37 (hg19) VCF-style: chr14-23897715-G-C.
Other names: short protein forms I524M.
Identifiers: ClinVar variation 1027658 (VCV001027658.3), dbSNP rs769484001, ClinGen allele CA389050298.
Genomic context (GRCh38, chr14:23,428,506, plus strand): 5'-GGTGTTCTTGTTGGGTGTGCAGGGAGAATTCAGGTGGTAAGGCCAAAGAGGCACCTTCTC[G>C]ATGAGGTCAATGCAGGCCTGCAGGTCCATGCCAAAGTCAATGAATGTCCACTCGATGCCC-3'
Protein context (NP_000248.2, residues 514-534): GMDLQACIDL[Ile524Met]EKPMGIMSIL

ClinVar aggregate classification (germline): Likely pathogenic. Review status: criteria provided, single submitter (1 of 4 stars). 2 submissions from 2 submitters: Likely pathogenic (1). 1 of the submissions does not count toward it. Last evaluated 2024-11-07.

Conditions:
Primary dilated cardiomyopathy (DCM). Also called: Dilated Cardiomyopathy. Identifiers: Orphanet 217604, MedGen C0007193, MeSH D002311, MONDO:0005021, HP:0001644. Inheritance: Various modes of inheritance.
Hypertrophic cardiomyopathy. Also called: HYPERTROPHIC MYOCARDIOPATHY. Identifiers: Orphanet 217569, MedGen C0007194, MeSH D002312, MONDO:0005045, HP:0001639.

Submissions (2):

Labcorp Genetics (formerly Invitae), Labcorp
Classification: Likely pathogenic for Hypertrophic cardiomyopathy. Last evaluated: 2024-11-07. Review status: criteria provided, single submitter. Criteria: Invitae Variant Classification Sherloc (09022015). Collection method: clinical testing. Allele origin: germline.
Comment: This sequence change replaces isoleucine, which is neutral and non-polar, with methionine, which is neutral and non-polar, at codon 524 of the MYH7 protein (p.Ile524Met). This variant is not present in population databases (gnomAD no frequency). This missense change has been observed in individual(s) with clinical features of dilated cardiomyopathy (internal data). ClinVar contains an entry for this variant (Variation ID: 1027658). Invitae Evidence Modeling of protein sequence and biophysical properties (such as structural, functional, and spatial information, amino acid conservation, physicochemical variation, residue mobility, and thermodynamic stability) indicates that this missense variant is expected to disrupt MYH7 protein function with a positive predictive value of 95%. This variant disrupts the p.Ile524 amino acid residue in MYH7. Other variant(s) that disrupt this residue have been determined to be pathogenic (external communication, internal data). This suggests that this residue is clinically significant, and that variants that disrupt this residue are likely to be disease-causing. In summary, the currently available evidence indicates that the variant is pathogenic, but additional data are needed to prove that conclusively. Therefore, this variant has been classified as Likely Pathogenic.

Institute of Human Genetics, University of Wuerzburg
Classification: Likely pathogenic for Primary dilated cardiomyopathy. Review status: no assertion criteria provided. Collection method: clinical testing. Allele origin: unknown. Not counted in ClinVar's aggregate classification.